The following is an entry in ClinVar:

ClinVar aggregate classification (germline): Likely benign (1 of 4 stars; one submission).

Allele frequency attached by ClinVar (database versions not stated): ESP Exome Variant Server 0.00016; TOPMed 0.00028; gnomAD 0.00030.

Submission:

CeGaT Center for Human Genetics Tuebingen
Classification: Likely benign. Last evaluated: 2022-11-01. Review status: criteria provided, single submitter. Criteria: CeGaT Center For Human Genetics Tuebingen Variant Classification Criteria Version 2. Collection method: clinical testing. Allele origin: germline. Affected: yes. Observed: 1 variant allele.
Comment: MUC16: BP4, BP7

NM_001401501.2(MUC16):c.25485C>T (p.Ser8495=)

Gene: MUC16 (mucin 16, cell surface associated; minus strand). Cytogenetic location: 19p13.2.
Variant type: single nucleotide variant.
Coding change: c.25485C>T on transcript NM_001401501.2 (MANE Select); coding-DNA position 25485, C replaced by T.
Protein change: p.Ser8495=; no amino-acid change (serine 8495 retained).
Molecular consequence: synonymous variant.
Genome position (GRCh38, 1-based): chr19:8,951,405, G>A on the plus strand (C>T on the coding strand, the complement: MUC16 is on the minus strand). VCF-style: chr19-8951405-G-A. GRCh37 (hg19) VCF-style: chr19-9062081-G-A.
Other names: c.25911C>T, p.Ser8637= (NM_001414686.1); c.25365C>T, p.Ser8455= (NM_001414687.1, NM_024690.2).
Identifiers: ClinVar variation 2649241 (VCV002649241.24), dbSNP rs201528861, ClinGen allele CA9168198.